The following is an entry in ClinVar:

NM_177559.3(CSNK2A1):c.530G>A (p.Gly177Asp)

Gene: CSNK2A1 (casein kinase 2 alpha 1; minus strand). Cytogenetic location: 20p13.
Variant type: single nucleotide variant.
Coding change: c.530G>A on transcript NM_177559.3 (MANE Select); coding-DNA position 530, G replaced by A.
Protein change: p.Gly177Asp; replaces glycine 177 with aspartic acid.
Molecular consequence: missense variant.
Genome position (GRCh38, 1-based): chr20:492,345, C>T on the plus strand (G>A on the coding strand, the complement: CSNK2A1 is on the minus strand). VCF-style: chr20-492345-C-T. GRCh37 (hg19) VCF-style: chr20-472989-C-T.
Other names: c.530G>A, p.Gly177Asp (NM_001362770.2, NM_001362771.2, NM_001895.4); c.122G>A, p.Gly41Asp (NM_177560.3); c.530G>A (NM_001895.3); short protein forms G177D, G41D.
Identifiers: ClinVar variation 1685288 (VCV001685288.4), dbSNP rs2122521881, ClinGen allele CA407931522.

ClinVar aggregate classification (germline): Pathogenic/Likely pathogenic. Review status: criteria provided, multiple submitters, no conflicts (2 of 4 stars). 3 submissions from 3 submitters: Pathogenic (1); Likely pathogenic (2). Last evaluated 2026-08-21.

Conditions:
Okur-Chung neurodevelopmental syndrome (OCNDS). Identifiers: Orphanet 689422, MedGen C4310739, MONDO:0014893, OMIM 617062.

Submissions (3):

GeneDx
Classification: Pathogenic. Last evaluated: 2026-08-21. Review status: criteria provided, single submitter. Criteria: GeneDx Variant Classification Process June 2021. Collection method: clinical testing. Allele origin: germline.
Comment: In silico analysis supports that this missense variant has a deleterious effect on protein structure/function; Not observed at significant frequency in large population cohorts (gnomAD); Has not been previously published as pathogenic or benign to our knowledge

Clinical Genomics Laboratory, Washington University in St. Louis
Classification: Likely pathogenic for Okur-Chung neurodevelopmental syndrome. Last evaluated: 2025-05-12. Review status: criteria provided, single submitter. Criteria: ACMG Guidelines, 2015. Collection method: clinical testing. Allele origin: germline. Affected: yes.
Comment: The CSNK2A1 c.530G>A (p.Gly177Asp) variant has been reported in at least one individual Okur-Chung neurodevelopmental syndrome (Kurki MI et al., PMID: 30679432). This variant is absent from the general population (gnomAD v2.1.1), indicating it is not a common variant. This variant resides within the protein kinase domain, amino acids 39-324, of CSNK2A1 which is defined as a critical functional domain (Chiu AT et al., PMID: 29240241). Computational predictors indicate that the variant is damaging, evidence that correlates with impact on CSNK2A1 function. This variant has been reported in the ClinVar database as a germline likely pathogenic variant by two submitters. Another variant in the same codon, c.529G>A (p.Gly177Ser), has been reported in affected individuals and is considered pathogenic or likely pathogenic (ClinVar Variation ID:522077). Based on available information and the ACMG/AMP guidelines for variant interpretation (Richards S et al., PMID: 25741868), this variant is classified as likely pathogenic.

Mendelics
Classification: Likely pathogenic for Okur-Chung neurodevelopmental syndrome. Last evaluated: 2022-05-04. Review status: criteria provided, single submitter. Criteria: Mendelics Assertion Criteria 2019. Collection method: clinical testing. Allele origin: germline.